The following is an entry in ClinVar:

ClinVar aggregate classification (germline): Benign/Likely benign. Review status: criteria provided, multiple submitters, no conflicts (2 of 4 stars). 6 submissions from 5 submitters: Benign (2); Likely benign (3). 1 of the submissions does not count toward it. Last evaluated 2026-01-02.

Conditions:
Autosomal dominant familial hematuria-retinal arteriolar tortuosity-contractures syndrome. Also called: Hereditary Angiopathy with Nephropathy, Aneurysms, and Muscle Cramps (HANAC) Syndrome; Angiopathy, hereditary, with nephropathy, aneurysms, and muscle cramps. Identifiers: Orphanet 73229, MedGen C2673195, MONDO:0012726, OMIM 611773.
Brain small vessel disease 1 with or without ocular anomalies (BSVD1). Also called: BRAIN SMALL VESSEL DISEASE WITH HEMORRHAGE; PORENCEPHALY, TYPE 1, AUTOSOMAL DOMINANT; GOULD SYNDROME 1; Brain small vessel disease with or without ocular anomalies. Identifiers: Orphanet 2940, Orphanet 36383, Orphanet 99810, MedGen C4755307, MONDO:0008289, OMIM 175780.
COL4A1-related disorder. Also called: COL4A1-related condition; COL4A1-related disorders. Identifiers: MedGen CN376119, MONDO:0800461.

Allele frequency attached by ClinVar (database versions not stated): TOPMed 0.00006; gnomAD 0.00007 and 0.00012; ESP Exome Variant Server 0.00015; ExAC 0.00016; 1000 Genomes Project 30x 0.00094; 1000 Genomes Project 0.00120.
gnomAD v4.1: 104 of 1,613,964 alleles (0.0064%); highest among the groups gnomAD compares: East Asian, 0.096%; no homozygotes.

Submissions (6):

Labcorp Genetics (formerly Invitae), Labcorp
Classification: Likely benign. Last evaluated: 2026-01-02. Review status: criteria provided, single submitter. Criteria: Invitae Variant Classification Sherloc (09022015). Collection method: clinical testing. Allele origin: germline.

CeGaT Center for Human Genetics Tuebingen
Classification: Likely benign. Last evaluated: 2023-12-01. Review status: criteria provided, single submitter. Criteria: CeGaT Center For Human Genetics Tuebingen Variant Classification Criteria Version 2. Collection method: clinical testing. Allele origin: germline. Affected: yes. Observed: 1 variant allele.
Comment: COL4A1: BS1

Blueprint Genetics
Classification: Likely benign. Last evaluated: 2023-11-14. Review status: criteria provided, single submitter. Criteria: ACMG Guidelines, 2015. Collection method: clinical testing. Allele origin: germline.

Illumina Laboratory Services, Illumina
Classification: Benign for Autosomal dominant familial hematuria-retinal arteriolar tortuosity-contractures syndrome. Last evaluated: 2018-01-12. Review status: criteria provided, single submitter. Criteria: ICSL Variant Classification Criteria 13 December 2019. Collection method: clinical testing. Allele origin: germline.
Comment: This variant was observed in the ICSL laboratory as part of a predisposition screen in an ostensibly healthy population. It had not been previously curated by ICSL or reported in the Human Gene Mutation Database (HGMD: prior to June 1st, 2018), and was therefore a candidate for classification through an automated scoring system. Utilizing variant allele frequency, disease prevalence and penetrance estimates, and inheritance mode, an automated score was calculated to assess if this variant is too frequent to cause the disease. Based on the score and internal cut-off values, a variant classified as benign is not then subjected to further curation. The score for this variant resulted in a classification of benign for this disease.

Illumina Laboratory Services, Illumina
Classification: Benign for Brain small vessel disease 1 with or without ocular anomalies. Last evaluated: 2018-01-12. Review status: criteria provided, single submitter. Criteria: ICSL Variant Classification Criteria 13 December 2019. Collection method: clinical testing. Allele origin: germline.
Comment: the same text as in the submission from Illumina Laboratory Services, Illumina above.

PreventionGenetics, part of Exact Sciences
Classification: Likely benign for COL4A1-related condition. Last evaluated: 2022-09-07. Review status: no assertion criteria provided. Collection method: clinical testing. Allele origin: germline. Not counted in ClinVar's aggregate classification.
Comment: This variant is classified as likely benign based on ACMG/AMP sequence variant interpretation guidelines (Richards et al. 2015 PMID: 25741868, with internal and published modifications).

NM_001845.6(COL4A1):c.4658C>T (p.Ala1553Val)

Gene: COL4A1 (collagen type IV alpha 1 chain; minus strand). Cytogenetic location: 13q34.
Variant type: single nucleotide variant.
Coding change: c.4658C>T on transcript NM_001845.6 (MANE Select); coding-DNA position 4658, C replaced by T.
Protein change: p.Ala1553Val; replaces alanine 1553 with valine.
Molecular consequence: missense variant.
Genome position (GRCh38, 1-based): chr13:110,155,380, G>A on the plus strand (C>T on the coding strand, the complement: COL4A1 is on the minus strand). VCF-style: chr13-110155380-G-A. GRCh37 (hg19) VCF-style: chr13-110807727-G-A.
Other names: short protein forms A1553V.
Identifiers: ClinVar variation 311020 (VCV000311020.42), dbSNP rs201150281, ClinGen allele CA7046851.